The following is an entry in ClinVar:

NM_032043.3(BRIP1):c.854A>C (p.His285Pro)

Gene: BRIP1 (BRCA1 interacting DNA helicase 1; minus strand). Cytogenetic location: 17q23.2.
Variant type: single nucleotide variant.
Coding change: c.854A>C on transcript NM_032043.3 (MANE Select); coding-DNA position 854, A replaced by C.
Protein change: p.His285Pro; replaces histidine 285 with proline.
Molecular consequence: missense variant.
Genome position (GRCh38, 1-based): chr17:61,808,531, T>G on the plus strand (A>C on the coding strand, the complement: BRIP1 is on the minus strand). VCF-style: chr17-61808531-T-G. GRCh37 (hg19) VCF-style: chr17-59885892-T-G.
Other names: short protein forms H285P.
Identifiers: ClinVar variation 822544 (VCV000822544.11), dbSNP rs141055990, ClinGen allele CA400484775.

ClinVar aggregate classification (germline): Uncertain significance. Review status: criteria provided, multiple submitters, no conflicts (2 of 4 stars). 3 submissions from 3 submitters: Uncertain significance (3). Last evaluated 2023-12-29.

Conditions:
Familial cancer of breast. Also called: Hereditary breast cancer; hereditary breast carcinoma; BREAST CANCER, FAMILIAL. Identifiers: Orphanet 227535, MedGen C0346153, MONDO:0016419, OMIM 114480. Disease mechanism: loss of function.
Fanconi anemia complementation group J. Also called: BRIP1-Related Fanconi Anemia. Identifiers: Orphanet 84, MedGen C1836860, MONDO:0012187, OMIM 609054.
Hereditary cancer-predisposing syndrome. Also called: Hereditary Cancer Syndrome; Neoplastic Syndromes, Hereditary; Hereditary neoplastic syndrome; Tumor predisposition. Identifiers: Orphanet 140162, MedGen C0027672, MeSH D009386, MONDO:0015356.

Submissions (3):

Labcorp Genetics (formerly Invitae), Labcorp
Classification: Uncertain significance for Familial cancer of breast; Fanconi anemia complementation group J. Last evaluated: 2023-12-29. Review status: criteria provided, single submitter. Criteria: Invitae Variant Classification Sherloc (09022015). Collection method: clinical testing. Allele origin: germline.
Comment: This sequence change replaces histidine, which is basic and polar, with proline, which is neutral and non-polar, at codon 285 of the BRIP1 protein (p.His285Pro). This variant is not present in population databases (gnomAD no frequency). This variant has not been reported in the literature in individuals affected with BRIP1-related conditions. ClinVar contains an entry for this variant (Variation ID: 822544). Advanced modeling of protein sequence and biophysical properties (such as structural, functional, and spatial information, amino acid conservation, physicochemical variation, residue mobility, and thermodynamic stability) has been performed at Invitae for this missense variant, however the output from this modeling did not meet the statistical confidence thresholds required to predict the impact of this variant on BRIP1 protein function. In summary, the available evidence is currently insufficient to determine the role of this variant in disease. Therefore, it has been classified as a Variant of Uncertain Significance.

Ambry Genetics
Classification: Uncertain significance for Hereditary cancer-predisposing syndrome. Last evaluated: 2023-12-14. Review status: criteria provided, single submitter. Criteria: Ambry Variant Classification Scheme 2023. Collection method: clinical testing. Allele origin: germline.
Comment: The p.H285P variant (also known as c.854A>C), located in coding exon 6 of the BRIP1 gene, results from an A to C substitution at nucleotide position 854. The histidine at codon 285 is replaced by proline, an amino acid with similar properties. This amino acid position is highly conserved through mammals but not in all available vertebrate species. In addition, the in silico prediction for this alteration is inconclusive. Since supporting evidence is limited at this time, the clinical significance of this alteration remains unclear.

Color Diagnostics, LLC DBA Color Health
Classification: Uncertain significance for Hereditary cancer-predisposing syndrome. Last evaluated: 2019-06-03. Review status: criteria provided, single submitter. Criteria: ACMG Guidelines, 2015. Collection method: clinical testing. Allele origin: germline.